The following is an entry in ClinVar:

ClinVar aggregate classification (germline): Pathogenic (1 of 4 stars; one submission).

Submission:

Labcorp Genetics (formerly Invitae), Labcorp
Classification: Pathogenic. Last evaluated: 2022-08-20. Review status: criteria provided, single submitter. Criteria: Invitae Variant Classification Sherloc (09022015). Collection method: clinical testing. Allele origin: germline.
Comment: For these reasons, this variant has been classified as Pathogenic. Advanced modeling of protein sequence and biophysical properties (such as structural, functional, and spatial information, amino acid conservation, physicochemical variation, residue mobility, and thermodynamic stability) performed at Invitae indicates that this missense variant is expected to disrupt ABCA4 protein function. This missense change has been observed in individual(s) with Stargardt disease (PMID: 23882696). In at least one individual the data is consistent with being in trans (on the opposite chromosome) from a pathogenic variant. It has also been observed to segregate with disease in related individuals. This variant is not present in population databases (gnomAD no frequency). This sequence change replaces glutamic acid, which is acidic and polar, with glycine, which is neutral and non-polar, at codon 955 of the ABCA4 protein (p.Glu955Gly).

Literature cited by the submitters: PubMed 23882696.

NM_000350.3(ABCA4):c.2864A>G (p.Glu955Gly)

Gene: ABCA4 (ATP binding cassette subfamily A member 4; minus strand). Cytogenetic location: 1p22.1.
Variant type: single nucleotide variant.
Coding change: c.2864A>G on transcript NM_000350.3 (MANE Select); coding-DNA position 2864, A replaced by G.
Protein change: p.Glu955Gly; replaces glutamic acid 955 with glycine.
Molecular consequence: missense variant.
Genome position (GRCh38, 1-based): chr1:94,046,973, T>C on the plus strand (A>G on the coding strand, the complement: ABCA4 is on the minus strand). VCF-style: chr1-94046973-T-C. GRCh37 (hg19) VCF-style: chr1-94512529-T-C.
Other names: c.2642A>G, p.Glu881Gly (NM_001425324.1); short protein forms E955G, E881G.
Identifiers: ClinVar variation 2202797 (VCV002202797.4), dbSNP rs760102207, ClinGen allele CA341275390.